The following is an entry in ClinVar:

ClinVar aggregate classification (germline): Uncertain significance (1 of 4 stars; one submission).

Conditions:
Infantile-onset ascending hereditary spastic paralysis (IAHSP). Also called: Infantile-Onset Ascending Hereditary Spastic Paralysis (IAHSP); Autosomal Recessive Juvenile Amyotrophic Lateral Sclerosis. Identifiers: Orphanet 293168, MedGen C2931441, MONDO:0011797, OMIM 607225. Disease mechanism: loss of function.

Allele frequency attached by ClinVar (database versions not stated): gnomAD exomes below 0.00001 and 0.00001; ExAC 0.00002; TOPMed 0.00006; gnomAD 0.00009.

Submission:

Labcorp Genetics (formerly Invitae), Labcorp
Classification: Uncertain significance for Infantile-onset ascending hereditary spastic paralysis. Last evaluated: 2022-07-12. Review status: criteria provided, single submitter. Criteria: Invitae Variant Classification Sherloc (09022015). Collection method: clinical testing. Allele origin: germline.
Comment: This variant has not been reported in the literature in individuals affected with ALS2-related conditions. This variant is present in population databases (rs753470319, gnomAD 0.02%). This sequence change replaces methionine, which is neutral and non-polar, with leucine, which is neutral and non-polar, at codon 1208 of the ALS2 protein (p.Met1208Leu). ClinVar contains an entry for this variant (Variation ID: 652446). In summary, the available evidence is currently insufficient to determine the role of this variant in disease. Therefore, it has been classified as a Variant of Uncertain Significance. Algorithms developed to predict the effect of missense changes on protein structure and function (SIFT, PolyPhen-2, Align-GVGD) all suggest that this variant is likely to be tolerated.

NM_020919.4(ALS2):c.3622A>T (p.Met1208Leu)

Gene: ALS2 (alsin Rho guanine nucleotide exchange factor ALS2; minus strand). Cytogenetic location: 2q33.1.
Variant type: single nucleotide variant.
Coding change: c.3622A>T on transcript NM_020919.4 (MANE Select); coding-DNA position 3622, A replaced by T.
Protein change: p.Met1208Leu; replaces methionine 1208 with leucine.
Molecular consequence: missense variant.
Genome position (GRCh38, 1-based): chr2:201,723,332, T>A on the plus strand (A>T on the coding strand, the complement: ALS2 is on the minus strand). VCF-style: chr2-201723332-T-A. GRCh37 (hg19) VCF-style: chr2-202588055-T-A.
Other names: short protein forms M1208L.
Identifiers: ClinVar variation 652446 (VCV000652446.10), dbSNP rs753470319, ClinGen allele CA2057826.